The following is an entry in ClinVar:

ClinVar aggregate classification (germline): Uncertain significance. Review status: criteria provided, multiple submitters, no conflicts (2 of 4 stars). 2 submissions from 2 submitters: Uncertain significance (2). Last evaluated 2022-08-16.

Conditions:
Cone-rod dystrophy 16 (CORD16). Identifiers: MedGen C3281045, MONDO:0013786, OMIM 614500.

Allele frequency attached by ClinVar (database versions not stated): gnomAD exomes below 0.00001; TOPMed below 0.00001; ExAC 0.00001.

Submissions (2):

Labcorp Genetics (formerly Invitae), Labcorp
Classification: Uncertain significance. Last evaluated: 2022-08-16. Review status: criteria provided, single submitter. Criteria: Invitae Variant Classification Sherloc (09022015). Collection method: clinical testing. Allele origin: germline.
Comment: ClinVar contains an entry for this variant (Variation ID: 802425). In summary, the available evidence is currently insufficient to determine the role of this variant in disease. Therefore, it has been classified as a Variant of Uncertain Significance. Algorithms developed to predict the effect of missense changes on protein structure and function are either unavailable or do not agree on the potential impact of this missense change (SIFT: "Tolerated"; PolyPhen-2: "Possibly Damaging"; Align-GVGD: "Class C0"). This variant has not been reported in the literature in individuals affected with C8orf37-related conditions. This variant is present in population databases (rs779716988, gnomAD 0.0009%). This sequence change replaces glycine, which is neutral and non-polar, with serine, which is neutral and polar, at codon 32 of the C8orf37 protein (p.Gly32Ser).

Mendelics
Classification: Uncertain significance for Cone-rod dystrophy 16. Last evaluated: 2019-05-28. Review status: criteria provided, single submitter. Criteria: Mendelics Assertion Criteria 2017. Collection method: clinical testing. Allele origin: unknown.

NM_177965.4(CFAP418):c.94G>A (p.Gly32Ser)

Genes: CFAP418-AS1 (CFAP418 antisense RNA 1; plus strand), CFAP418 (cilia and flagella associated protein 418; minus strand), LOC130000784 (ATAC-STARR-seq lymphoblastoid active region 27655; plus strand). Cytogenetic location: 8q22.1.
Variant type: single nucleotide variant.
Coding change: c.94G>A on transcript NM_177965.4 (MANE Select); coding-DNA position 94, G replaced by A.
Protein change: p.Gly32Ser; replaces glycine 32 with serine.
Molecular consequence: missense variant.
Genome position (GRCh38, 1-based): chr8:95,269,096, C>T on the plus strand (G>A on the coding strand, the complement: CFAP418 is on the minus strand). VCF-style: chr8-95269096-C-T. GRCh37 (hg19) VCF-style: chr8-96281324-C-T.
Other names: c.94G>A, p.Gly32Ser (NM_001363260.1); short protein forms G32S.
Identifiers: ClinVar variation 802425 (VCV000802425.6), dbSNP rs779716988, ClinGen allele CA4815277.
Genomic context (GRCh38, chr8:95,269,096, plus strand): 5'-TGAGCGTCTCTTTCGCCTTGGCTTGGTTCCGGTCGCTACTGTGGGTGCCGCCGCCGCAGC[C>T]TTTGGGCTGCTCGACCATACCCCGTCTTAGAAGGTCAGGTGTGCAAAACTTGGACTCGAC-3'
Protein context (NP_808880.1, residues 22-42): LRRGMVEQPK[Gly32Ser]CGGGTHSSDR